The following is an entry in ClinVar:

ClinVar aggregate classification (germline): Uncertain significance (1 of 4 stars; one submission).

Submission:

GeneDx
Classification: Uncertain significance. Last evaluated: 2025-08-13. Review status: criteria provided, single submitter. Criteria: GeneDx Variant Classification Process June 2021. Collection method: clinical testing. Allele origin: germline. Affected: yes.
Comment: Not observed at significant frequency in large population cohorts (gnomAD); In silico analysis suggests that this missense variant does not alter protein structure/function; Has not been previously published as pathogenic or benign to our knowledge

NM_015340.4(LARS2):c.2098A>G (p.Thr700Ala)

Gene: LARS2 (leucyl-tRNA synthetase 2, mitochondrial; plus strand). Cytogenetic location: 3p21.31.
Variant type: single nucleotide variant.
Coding change: c.2098A>G on transcript NM_015340.4 (MANE Select); coding-DNA position 2098, A replaced by G.
Protein change: p.Thr700Ala; replaces threonine 700 with alanine.
Molecular consequence: missense variant.
Genome position (GRCh38, 1-based): chr3:45,517,956, A>G. VCF-style: chr3-45517956-A-G. GRCh37 (hg19) VCF-style: chr3-45559448-A-G.
Other names: c.2098A>G, p.Thr700Ala (NM_001368263.1); short protein forms T700A.
Identifiers: ClinVar variation 4795555 (VCV004795555.1).